The following is an entry in ClinVar:

NM_000548.5(TSC2):c.4668C>G (p.Asn1556Lys)

Gene: TSC2 (TSC complex subunit 2; plus strand). Cytogenetic location: 16p13.3.
Variant type: single nucleotide variant.
Coding change: c.4668C>G on transcript NM_000548.5 (MANE Select); coding-DNA position 4668, C replaced by G.
Protein change: p.Asn1556Lys; replaces asparagine 1556 with lysine.
Molecular consequence: missense variant. On other transcripts: non-coding transcript variant (5).
Genome position (GRCh38, 1-based): chr16:2,086,198, C>G. VCF-style: chr16-2086198-C-G. GRCh37 (hg19) VCF-style: chr16-2136199-C-G.
Other names: c.4467C>G, p.Asn1489Lys (NM_001077183.3); c.4599C>G, p.Asn1533Lys (NM_001114382.3); c.4359C>G, p.Asn1453Lys (NM_001318827.2); c.4323C>G, p.Asn1441Lys (NM_001318829.2); c.3936C>G, p.Asn1312Lys (NM_001318831.2); c.4500C>G, p.Asn1500Lys (NM_001318832.2); c.4470C>G, p.Asn1490Lys (NM_001363528.2); c.4536C>G, p.Asn1512Lys (NM_001370404.1); and 26 more; short protein forms N1290K, N1452K, N1520K, N1041K, N1042K, N1289K, N1333K, N1440K.
Identifiers: ClinVar variation 4751265 (VCV004751265.2).

ClinVar aggregate classification (germline): Uncertain significance. Review status: criteria provided, multiple submitters, no conflicts (2 of 4 stars). 2 submissions from 2 submitters: Uncertain significance (2). Last evaluated 2026-09-06.

Conditions:
Hereditary cancer-predisposing syndrome. Also called: Hereditary Cancer Syndrome; Hereditary neoplastic syndrome; Neoplastic Syndromes, Hereditary; Tumor predisposition. Identifiers: Orphanet 140162, MedGen C0027672, MeSH D009386, MONDO:0015356.
Tuberous sclerosis 2 (TSC2). Identifiers: Orphanet 805, MedGen C1860707, MONDO:0013199, OMIM 613254.

Submissions (2):

Ambry Genetics
Classification: Uncertain significance for Hereditary cancer-predisposing syndrome. Last evaluated: 2026-09-06. Review status: criteria provided, single submitter. Criteria: Ambry Variant Classification Scheme 2023. Collection method: clinical testing. Allele origin: germline.
Comment: The p.N1556K variant (also known as c.4668C>G), located in coding exon 36 of the TSC2 gene, results from a C to G substitution at nucleotide position 4668. The asparagine at codon 1556 is replaced by lysine, an amino acid with similar properties. This amino acid position is conserved. In addition, the in silico prediction for this alteration is inconclusive. Based on the available evidence, the clinical significance of this variant remains unclear.

Labcorp Genetics (formerly Invitae), Labcorp
Classification: Uncertain significance for Tuberous sclerosis 2. Last evaluated: 2026-01-26. Review status: criteria provided, single submitter. Criteria: Invitae Variant Classification Sherloc (09022015). Collection method: clinical testing. Allele origin: germline.
Comment: This sequence change replaces asparagine, which is neutral and polar, with lysine, which is basic and polar, at codon 1556 of the TSC2 protein (p.Asn1556Lys). This variant is not present in population databases (gnomAD no frequency). This variant has not been reported in the literature in individuals affected with TSC2-related conditions. Invitae Evidence Modeling of protein sequence and biophysical properties (such as structural, functional, and spatial information, amino acid conservation, physicochemical variation, residue mobility, and thermodynamic stability) indicates that this missense variant is not expected to disrupt TSC2 protein function with a negative predictive value of 95%. In summary, the available evidence is currently insufficient to determine the role of this variant in disease. Therefore, it has been classified as a Variant of Uncertain Significance.